The following is an entry in ClinVar:

NM_000218.3(KCNQ1):c.922-1G>C

Gene: KCNQ1 (potassium voltage-gated channel subfamily Q member 1; plus strand). Cytogenetic location: 11p15.5.
Variant type: single nucleotide variant.
Coding change: c.922-1G>C on transcript NM_000218.3 (MANE Select); the canonical splice acceptor site of the intron before coding-DNA position 922, G replaced by C.
Molecular consequence: splice acceptor variant.
Genome position (GRCh38, 1-based): chr11:2,583,434, G>C. VCF-style: chr11-2583434-G-C. GRCh37 (hg19) VCF-style: chr11-2604664-G-C.
Other names: c.652-1G>C (NM_001406837.1); c.922-1G>C (NM_001406836.1); c.478-1G>C (NM_001406838.1); c.541-1G>C (NM_181798.2).
Identifiers: ClinVar variation 3134 (VCV000003134.8), dbSNP rs387906290, ClinGen allele CA008676.

ClinVar aggregate classification (germline): Pathogenic. Review status: criteria provided, single submitter (1 of 4 stars). 2 submissions from 2 submitters: Pathogenic (1). 1 of the submissions does not count toward it. Last evaluated 2022-07-30.

Conditions:
Long QT syndrome (LQTS). Identifiers: MedGen C0023976, MeSH D008133, MONDO:0002442. Disease mechanism: loss of function. Inheritance: Various modes of inheritance.
Long QT syndrome 1 (LQT1). Identifiers: Orphanet 101016, Orphanet 768, MedGen C4551647, MONDO:0100316, OMIM 192500, MONDO:0008646.

Submissions (2):

Labcorp Genetics (formerly Invitae), Labcorp
Classification: Pathogenic for Long QT syndrome. Last evaluated: 2022-07-30. Review status: criteria provided, single submitter. Criteria: Invitae Variant Classification Sherloc (09022015). Collection method: clinical testing. Allele origin: germline.
Comment: For these reasons, this variant has been classified as Pathogenic. Studies have shown that disruption of this splice site results in skipping of exons 7 and 8 (also referred to as exons 6 and 7), but is expected to preserve the integrity of the reading-frame (PMID: 10477533). ClinVar contains an entry for this variant (Variation ID: 3134). Disruption of this splice site has been observed in individuals with long QT syndrome (PMID: 10477533; Invitae). This variant is not present in population databases (gnomAD no frequency). This sequence change affects an acceptor splice site in intron 6 of the KCNQ1 gene. RNA analysis indicates that disruption of this splice site induces altered splicing and likely results in a shortened protein product.

OMIM
Classification: Pathogenic for LONG QT SYNDROME 1. Last evaluated: 1999-09-07. Review status: no assertion criteria provided. Collection method: literature only. Allele origin: germline. Not counted in ClinVar's aggregate classification.

Literature cited by the submitters: PubMed 10477533 (cited by Labcorp Genetics (formerly Invitae), Labcorp and OMIM).